The following is an entry in ClinVar:

ClinVar aggregate classification (germline): Uncertain significance (1 of 4 stars; one submission).

Conditions:
Inborn genetic diseases. Identifiers: MedGen C0950123, MeSH D030342.

gnomAD v4.1: 3 of 1,613,950 alleles (0.00019%); highest among the groups gnomAD compares: Non-Finnish European, 0.00025%; no homozygotes.

Submission:

Ambry Genetics
Classification: Uncertain significance for Inborn genetic diseases. Last evaluated: 2025-03-12. Review status: criteria provided, single submitter. Criteria: Ambry Variant Classification Scheme 2023. Collection method: clinical testing. Allele origin: germline.
Comment: The p.Q1592R variant (also known as c.4775A>G), located in coding exon 32 of the ANKRD26 gene, results from an A to G substitution at nucleotide position 4775. The glutamine at codon 1592 is replaced by arginine, an amino acid with highly similar properties. This amino acid position is conserved. In addition, this alteration is predicted to be tolerated by in silico analysis. Based on the available evidence, the clinical significance of this variant remains unclear.

NM_014915.3(ANKRD26):c.4775A>G (p.Gln1592Arg)

Gene: ANKRD26 (ankyrin repeat domain containing 26; minus strand). Cytogenetic location: 10p12.1.
Variant type: single nucleotide variant.
Coding change: c.4775A>G on transcript NM_014915.3 (MANE Select); coding-DNA position 4775, A replaced by G.
Protein change: p.Gln1592Arg; replaces glutamine 1592 with arginine.
Molecular consequence: missense variant.
Genome position (GRCh38, 1-based): chr10:27,013,060, T>C on the plus strand (A>G on the coding strand, the complement: ANKRD26 is on the minus strand). VCF-style: chr10-27013060-T-C. GRCh37 (hg19) VCF-style: chr10-27301989-T-C.
Other names: c.4772A>G, p.Gln1591Arg (NM_001256053.2); short protein forms Q1591R, Q1592R.
Identifiers: ClinVar variation 3868727 (VCV003868727.1).